The following is an entry in ClinVar:

ClinVar aggregate classification (germline): Uncertain significance. Review status: criteria provided, multiple submitters, no conflicts (2 of 4 stars). 4 submissions from 4 submitters: Uncertain significance (4). Last evaluated 2025-08-26.

Conditions:
Inborn genetic diseases. Identifiers: MedGen C0950123, MeSH D030342.
Pontocerebellar hypoplasia type 2E. Identifiers: Orphanet 247198, MedGen C4014488, MONDO:0014370, OMIM 615851.

Allele frequency attached by ClinVar (database versions not stated): gnomAD 0.00001 and 0.00017; TOPMed 0.00005; gnomAD exomes 0.00014 and 0.00031; 1000 Genomes Project 30x 0.00047; 1000 Genomes Project 0.00060.
gnomAD v4.1: 225 of 1,613,806 alleles (0.014%); highest among the groups gnomAD compares: South Asian, 0.22%; 3 homozygotes.

Submissions (4):

Ambry Genetics
Classification: Uncertain significance for Inborn genetic diseases. Last evaluated: 2025-08-26. Review status: criteria provided, single submitter. Criteria: Ambry Variant Classification Scheme 2023. Collection method: clinical testing. Allele origin: germline.

GeneDx
Classification: Uncertain significance. Last evaluated: 2022-05-31. Review status: criteria provided, single submitter. Criteria: GeneDx Variant Classification Process June 2021. Collection method: clinical testing. Allele origin: germline. Affected: yes.
Comment: In silico analysis supports that this missense variant has a deleterious effect on protein structure/function; Has not been previously published as pathogenic or benign to our knowledge

CeGaT Center for Human Genetics Tuebingen
Classification: Uncertain significance. Last evaluated: 2017-06-01. Review status: criteria provided, single submitter. Criteria: CeGaT Center For Human Genetics Tuebingen Variant Classification Criteria Version 2. Collection method: clinical testing. Allele origin: germline. Affected: yes. Observed: 1 variant allele.

Kasturba Medical College, Manipal, Kasturba Medical College, Manipal, Manipal Academy of Higher Education, Manipal, India
Classification: Uncertain significance for Pontocerebellar hypoplasia type 2E. Review status: criteria provided, single submitter. Criteria: ACMG Guidelines, 2015. Collection method: clinical testing. Allele origin: germline. Affected: yes.

NM_001128159.3(VPS53):c.584C>T (p.Pro195Leu)

Gene: VPS53 (VPS53 subunit of GARP complex; minus strand). Cytogenetic location: 17p13.3.
Variant type: single nucleotide variant.
Coding change: c.584C>T on transcript NM_001128159.3 (MANE Select); coding-DNA position 584, C replaced by T.
Protein change: p.Pro195Leu; replaces proline 195 with leucine.
Molecular consequence: missense variant. On other transcripts: 5 prime UTR variant (1).
Genome position (GRCh38, 1-based): chr17:653,315, G>A on the plus strand (C>T on the coding strand, the complement: VPS53 is on the minus strand). VCF-style: chr17-653315-G-A. GRCh37 (hg19) VCF-style: chr17-556555-G-A.
Other names: c.584C>T, p.Pro195Leu (NM_001366253.2); c.-109C>T (NM_001366254.2); c.497C>T, p.Pro166Leu (NM_018289.4); c.584C>T (NM_001128159.2); short protein forms P195L, P166L.
Identifiers: ClinVar variation 444390 (VCV000444390.46), dbSNP rs548219603, ClinGen allele CA286669285.
Genomic context (GRCh38, chr17:653,315, plus strand): 5'-GAATCCCCATATACTTTCCCTCTGGTGACAGTTTACCTTTCGGAAAGCTGCCGGATCTGC[G>A]GAATCCCCATATACTTGTGGAAGTGCTCCAGGACATTCATCACACCCTGAAGGAGATTAG-3'
Protein context (NP_001121631.1, residues 185-205): LEHFHKYMGI[Pro195Leu]QIRQLSERVK